The following is an entry in ClinVar:

ClinVar aggregate classification (germline): Likely benign. Review status: criteria provided, multiple submitters, no conflicts (2 of 4 stars). 2 submissions from 2 submitters: Likely benign (2). Last evaluated 2023-12-01.

Allele frequency attached by ClinVar (database versions not stated): gnomAD 0.00001; gnomAD exomes 0.00001; TOPMed 0.00001.
gnomAD v4.1: 4 of 1,593,116 alleles (0.00025%); highest among the groups gnomAD compares: Admixed American, 0.0034%; no homozygotes.

Submissions (2):

CeGaT Center for Human Genetics Tuebingen
Classification: Likely benign. Last evaluated: 2023-12-01. Review status: criteria provided, single submitter. Criteria: CeGaT Center For Human Genetics Tuebingen Variant Classification Criteria Version 2. Collection method: clinical testing. Allele origin: germline. Affected: yes. Observed: 1 variant allele.
Comment: ATN1: BP4, BP7

Blueprint Genetics
Classification: Likely benign. Last evaluated: 2022-04-29. Review status: criteria provided, single submitter. Criteria: ACMG Guidelines, 2015. Collection method: clinical testing. Allele origin: germline.

NM_001940.4(ATN1):c.939A>G (p.Ala313=)

Gene: ATN1 (atrophin 1; plus strand). Cytogenetic location: 12p13.31.
Variant type: single nucleotide variant.
Coding change: c.939A>G on transcript NM_001940.4 (MANE Select); coding-DNA position 939, A replaced by G.
Protein change: p.Ala313=; no amino-acid change (alanine 313 retained).
Molecular consequence: synonymous variant.
Genome position (GRCh38, 1-based): chr12:6,936,206, A>G. VCF-style: chr12-6936206-A-G. GRCh37 (hg19) VCF-style: chr12-7045369-A-G.
Other names: c.939A>G, p.Ala313= (NM_001007026.2, NM_001424176.1, NM_001424177.1 and 2 more transcripts); c.936A>G, p.Ala312= (NM_001424179.1, NM_001424180.1, NM_001424182.1).
Identifiers: ClinVar variation 3025614 (VCV003025614.23), dbSNP rs1945530357, ClinGen allele CA478518753.
Genomic context (GRCh38, chr12:6,936,206, plus strand): 5'-CTTCCCCCATGTGACACCGAACCTGCCTCCCCCACCTGCCCTGAGACCCCTCAACAATGC[A>G]TCAGCCTCTCCCCCTGGCCTGGGGGCCCAACCACTACCTGGTCATCTGCCCTCTCCCCAC-3'
Protein context (NP_001931.2, residues 303-323): PPPALRPLNN[Ala313=]SASPPGLGAQ